The following is an entry in ClinVar:

ClinVar aggregate classification (germline): Uncertain significance (1 of 4 stars; one submission).

Conditions:
Congenital contractural arachnodactyly (CCA). Also called: Beals-Hecht syndrome; BEALS SYNDROME; Arthrogryposis, distal, type 9. Identifiers: Orphanet 115, MedGen C0220668, MONDO:0007363, OMIM 121050.

Submission:

Labcorp Genetics (formerly Invitae), Labcorp
Classification: Uncertain significance for Congenital contractural arachnodactyly. Last evaluated: 2023-01-11. Review status: criteria provided, single submitter. Criteria: Invitae Variant Classification Sherloc (09022015). Collection method: clinical testing. Allele origin: germline.
Comment: This sequence change replaces valine, which is neutral and non-polar, with phenylalanine, which is neutral and non-polar, at codon 698 of the FBN2 protein (p.Val698Phe). In summary, the available evidence is currently insufficient to determine the role of this variant in disease. Therefore, it has been classified as a Variant of Uncertain Significance. Advanced modeling of protein sequence and biophysical properties (such as structural, functional, and spatial information, amino acid conservation, physicochemical variation, residue mobility, and thermodynamic stability) has been performed at Invitae for this missense variant, however the output from this modeling did not meet the statistical confidence thresholds required to predict the impact of this variant on FBN2 protein function. This variant has not been reported in the literature in individuals affected with FBN2-related conditions. This variant is not present in population databases (gnomAD no frequency).

NM_001999.4(FBN2):c.2092G>T (p.Val698Phe)

Gene: FBN2 (fibrillin 2; minus strand). Cytogenetic location: 5q23.3.
Variant type: single nucleotide variant.
Coding change: c.2092G>T on transcript NM_001999.4 (MANE Select); coding-DNA position 2092, G replaced by T.
Protein change: p.Val698Phe; replaces valine 698 with phenylalanine.
Molecular consequence: missense variant.
Genome position (GRCh38, 1-based): chr5:128,374,631, C>A on the plus strand (G>T on the coding strand, the complement: FBN2 is on the minus strand). VCF-style: chr5-128374631-C-A. GRCh37 (hg19) VCF-style: chr5-127710324-C-A.
Other names: short protein forms V698F.
Identifiers: ClinVar variation 2824067 (VCV002824067.3), dbSNP rs2479377055, ClinGen allele CA360740132.